The following is an entry in ClinVar:

ClinVar aggregate classification (germline): Uncertain significance. Review status: criteria provided, multiple submitters, no conflicts (2 of 4 stars). 5 submissions from 4 submitters: Uncertain significance (5). Last evaluated 2023-06-29.

Conditions:
Inborn genetic diseases. Identifiers: MedGen C0950123, MeSH D030342.
Spinocerebellar ataxia, autosomal recessive, with axonal neuropathy 2 (SCAN2). Also called: Ataxia-ocular apraxia-2; Ataxia with Oculomotor Apraxia; Ataxia with Oculomotor Apraxia Type 2; ATAXIA-OCULOMOTOR APRAXIA 2. Identifiers: Orphanet 64753, MedGen C1853761, MONDO:0018996, OMIM 606002.
Amyotrophic lateral sclerosis type 4 (ALS4). Also called: AMYOTROPHIC LATERAL SCLEROSIS 4, JUVENILE; NEURONOPATHY, DISTAL HEREDITARY MOTOR, WITH PYRAMIDAL FEATURES. Identifiers: Orphanet 357043, MedGen C1865409, MONDO:0011223, OMIM 602433.

Allele frequency attached by ClinVar (database versions not stated): gnomAD exomes below 0.00001; gnomAD 0.00001.
gnomAD v4.1: 2 of 1,614,078 alleles (0.00012%); highest among the groups gnomAD compares: Middle Eastern, 0.016%; no homozygotes.

Submissions (5):

GeneDx
Classification: Uncertain significance. Last evaluated: 2023-06-29. Review status: criteria provided, single submitter. Criteria: GeneDx Variant Classification Process June 2021. Collection method: clinical testing. Allele origin: germline. Affected: yes.
Comment: Not observed at significant frequency in large population cohorts (gnomAD); In silico analysis supports that this missense variant does not alter protein structure/function; Has not been previously published as pathogenic or benign to our knowledge

Genome-Nilou Lab
Classification: Uncertain significance for Spinocerebellar ataxia, autosomal recessive, with axonal neuropathy 2. Last evaluated: 2023-02-08. Review status: criteria provided, single submitter. Criteria: ACMG Guidelines, 2015. Collection method: clinical testing. Allele origin: germline.

Genome-Nilou Lab
Classification: Uncertain significance for Amyotrophic lateral sclerosis type 4. Last evaluated: 2023-02-08. Review status: criteria provided, single submitter. Criteria: ACMG Guidelines, 2015. Collection method: clinical testing. Allele origin: germline.

CeGaT Center for Human Genetics Tuebingen
Classification: Uncertain significance. Last evaluated: 2019-09-01. Review status: criteria provided, single submitter. Criteria: CeGaT Center For Human Genetics Tuebingen Variant Classification Criteria Version 2. Collection method: clinical testing. Allele origin: germline. Affected: yes. Observed: 1 variant allele.

Ambry Genetics
Classification: Uncertain significance for Inborn genetic diseases. Last evaluated: 2015-09-02. Review status: criteria provided, single submitter. Criteria: Ambry exome assertion method (8-5-2015). Collection method: clinical testing. Allele origin: germline. Affected: yes. Observed: 1 variant allele.

NM_015046.7(SETX):c.3497A>G (p.Glu1166Gly)

Gene: SETX (senataxin; minus strand). Cytogenetic location: 9q34.13.
Variant type: single nucleotide variant.
Coding change: c.3497A>G on transcript NM_015046.7 (MANE Select); coding-DNA position 3497, A replaced by G.
Protein change: p.Glu1166Gly; replaces glutamic acid 1166 with glycine.
Molecular consequence: missense variant.
Genome position (GRCh38, 1-based): chr9:132,328,101, T>C on the plus strand (A>G on the coding strand, the complement: SETX is on the minus strand). VCF-style: chr9-132328101-T-C. GRCh37 (hg19) VCF-style: chr9-135203488-T-C.
Other names: c.3497A>G, p.Glu1166Gly (NM_001351527.2, NM_001351528.2); short protein forms E1166G.
Identifiers: ClinVar variation 520718 (VCV000520718.47), dbSNP rs1554820858, ClinGen allele CA375330251.